The following is an entry in ClinVar:

NM_182961.4(SYNE1):c.11303G>A (p.Arg3768Gln)

Gene: SYNE1 (spectrin repeat containing nuclear envelope protein 1; minus strand). Cytogenetic location: 6q25.2.
Variant type: single nucleotide variant.
Coding change: c.11303G>A on transcript NM_182961.4 (MANE Select); coding-DNA position 11303, G replaced by A.
Protein change: p.Arg3768Gln; replaces arginine 3768 with glutamine.
Molecular consequence: missense variant.
Genome position (GRCh38, 1-based): chr6:152,352,304, C>T on the plus strand (G>A on the coding strand, the complement: SYNE1 is on the minus strand). VCF-style: chr6-152352304-C-T. GRCh37 (hg19) VCF-style: chr6-152673439-C-T.
Other names: c.11258G>A, p.Arg3753Gln (NM_033071.5); short protein forms R3753Q, R3768Q.
Identifiers: ClinVar variation 4682211 (VCV004682211.1).

ClinVar aggregate classification (germline): Uncertain significance (1 of 4 stars; one submission).

gnomAD v4.1: 9 of 1,614,164 alleles (0.00056%); highest among the groups gnomAD compares: South Asian, 0.0033%; 1 homozygote.

Submission:

Athena Diagnostics
Classification: Uncertain significance. Last evaluated: 2025-04-14. Review status: criteria provided, single submitter. Criteria: Athena Diagnostics Criteria. Collection method: clinical testing. Allele origin: unknown.
Comment: Available data are insufficient to determine the clinical significance of the variant at this time. The frequency of this variant in the general population is higher than would generally be expected for pathogenic variants in this gene. Polyphen and MutationTaster yielded discordant predictions regarding whether this amino acid change is damaging to the protein.